The following is an entry in ClinVar:

NM_017433.5(MYO3A):c.1534G>A (p.Glu512Lys)

Gene: MYO3A (myosin IIIA; plus strand). Cytogenetic location: 10p12.1.
Variant type: single nucleotide variant.
Coding change: c.1534G>A on transcript NM_017433.5 (MANE Select); coding-DNA position 1534, G replaced by A.
Protein change: p.Glu512Lys; replaces glutamic acid 512 with lysine.
Molecular consequence: missense variant.
Genome position (GRCh38, 1-based): chr10:26,088,377, G>A. VCF-style: chr10-26088377-G-A. GRCh37 (hg19) VCF-style: chr10-26377306-G-A.
Other names: short protein forms E512K.
Identifiers: ClinVar variation 618747 (VCV000618747.8), dbSNP rs1564535973, ClinGen allele CA376336105.
Genomic context (GRCh38, chr10:26,088,377, plus strand): 5'-GAAATGAAATTCACCTCTTCTGGAGCGGTAGTGGGAGCACAGATTTCTGAATATCTCCTG[G>A]AAAAATCCCGAGTTATCCACCAAGCTATGTAAGTTTATTTCAAATCTCTCCTATTTTGGA-3'
Protein context (NP_059129.3, residues 502-522): VGAQISEYLL[Glu512Lys]KSRVIHQAIG

ClinVar aggregate classification (germline): Uncertain significance (1 of 4 stars; one submission).

Submission:

ARUP Laboratories, Molecular Genetics and Genomics, ARUP Laboratories
Classification: Uncertain significance. Last evaluated: 2017-12-29. Review status: criteria provided, single submitter. Criteria: ARUP Molecular Germline Variant Investigation Process. Collection method: clinical testing. Allele origin: germline.
Comment: The MYO3A p.Glu512Lys variant has not been reported in the medical literature, is not listed in gene-specific variant databases, nor has it been previously identified in our laboratory. It is also absent from general population databases such as 1000 Genomes, the NHLBI GO Exome Sequencing Project (ESP), and the Genome Aggregation Database (gnomAD) browser. The glutamic acid at codon 512 is highly conserved considering 11 species up to Tetraodon (Alamut software v2.10.0), and computational analyses predict that this variant does affect the structure/function of the MYO3A protein (SIFT: damaging, PolyPhen2: probably damaging, MutationTaster: disease causing). However, based on the available information, the clinical significance of the p.Glu512Lys variant cannot be determined with certainty.